The following is an entry in ClinVar:

ClinVar aggregate classification (germline): Pathogenic (1 of 4 stars; one submission).

Submission:

Labcorp Genetics (formerly Invitae), Labcorp
Classification: Pathogenic. Last evaluated: 2022-11-29. Review status: criteria provided, single submitter. Criteria: Invitae Variant Classification Sherloc (09022015). Collection method: clinical testing. Allele origin: germline.
Comment: For these reasons, this variant has been classified as Pathogenic. This variant has not been reported in the literature in individuals affected with NBAS-related conditions. This variant is not present in population databases (gnomAD no frequency). This sequence change creates a premature translational stop signal (p.Trp1856*) in the NBAS gene. It is expected to result in an absent or disrupted protein product. Loss-of-function variants in NBAS are known to be pathogenic (PMID: 26073778, 26541327, 27789416, 28031453).

Literature cited by the submitters: PubMed 26073778; PubMed 26541327; PubMed 27789416; PubMed 28031453.

NM_015909.4(NBAS):c.5567G>A (p.Trp1856Ter)

Gene: NBAS (NBAS subunit of NRZ tethering complex; minus strand). Cytogenetic location: 2p24.3.
Variant type: single nucleotide variant.
Coding change: c.5567G>A on transcript NM_015909.4 (MANE Select); coding-DNA position 5567, G replaced by A.
Protein change: p.Trp1856Ter; replaces tryptophan 1856 with a stop codon.
Molecular consequence: nonsense. On other transcripts: non-coding transcript variant (1).
Genome position (GRCh38, 1-based): chr2:15,275,641, C>T on the plus strand (G>A on the coding strand, the complement: NBAS is on the minus strand). VCF-style: chr2-15275641-C-T. GRCh37 (hg19) VCF-style: chr2-15415765-C-T.
Other names: short protein forms W1856*.
Identifiers: ClinVar variation 2817382 (VCV002817382.3), dbSNP rs2528115480, ClinGen allele CA345882695.